The following is an entry in ClinVar:

NM_001367823.1(ARHGEF18):c.3481-3C>G

Gene: ARHGEF18 (Rho/Rac guanine nucleotide exchange factor 18; plus strand). Cytogenetic location: 19p13.2.
Variant type: single nucleotide variant.
Coding change: c.3481-3C>G on transcript NM_001367823.1 (MANE Select); 3 bases into the intron before coding-DNA position 3481, C replaced by G.
Molecular consequence: intron variant.
Genome position (GRCh38, 1-based): chr19:7,468,822, C>G. VCF-style: chr19-7468822-C-G. GRCh37 (hg19) VCF-style: chr19-7533708-C-G.
Other names: c.2443-3C>G (NM_001367824.1, NM_015318.4); c.2755-3C>G (NM_001130955.2).
Identifiers: ClinVar variation 1502118 (VCV001502118.6), dbSNP rs1233202216, ClinGen allele CA2573155892.

ClinVar aggregate classification (germline): Uncertain significance (1 of 4 stars; one submission).

Allele frequency attached by ClinVar (database versions not stated): gnomAD exomes below 0.00001.
gnomAD v4.1: 1 of 1,544,726 alleles (0.000065%); highest among the groups gnomAD compares: South Asian, 0.0012%; no homozygotes.

Submission:

Labcorp Genetics (formerly Invitae), Labcorp
Classification: Uncertain significance. Last evaluated: 2021-01-13. Review status: criteria provided, single submitter. Criteria: Invitae Variant Classification Sherloc (09022015). Collection method: clinical testing. Allele origin: germline.
Comment: This variant has not been reported in the literature in individuals with ARHGEF18-related conditions. This sequence change falls in intron 16 of the ARHGEF18 gene. It does not directly change the encoded amino acid sequence of the ARHGEF18 protein. It affects a nucleotide within the consensus splice site of the intron. The frequency data for this variant in the population databases is considered unreliable, as metrics indicate insufficient coverage at this position in the ExAC database. Nucleotide substitutions within the consensus splice site are a relatively common cause of aberrant splicing (PMID: 17576681, 9536098). Algorithms developed to predict the effect of sequence changes on RNA splicing suggest that this variant may disrupt the consensus splice site, but this prediction has not been confirmed by published transcriptional studies. In summary, the available evidence is currently insufficient to determine the role of this variant in disease. Therefore, it has been classified as a Variant of Uncertain Significance.

Literature cited by the submitters: PubMed 17576681; PubMed 9536098.